The following is an entry in ClinVar:

ClinVar aggregate classification (germline): Likely benign (0 of 4 stars; one submission).

Conditions:
ALDH18A1-related disorder. Also called: ALDH18A1-related disorders.

gnomAD v4.1: 24 of 1,613,822 alleles (0.0015%); highest among the groups gnomAD compares: Non-Finnish European, 0.002%; no homozygotes.

Submission:

PreventionGenetics, part of Exact Sciences
Classification: Likely benign for ALDH18A1-related condition. Last evaluated: 2024-03-08. Review status: no assertion criteria provided. Collection method: clinical testing. Allele origin: germline.
Comment: This variant is classified as likely benign based on ACMG/AMP sequence variant interpretation guidelines (Richards et al. 2015 PMID: 25741868, with internal and published modifications).

NM_002860.4(ALDH18A1):c.1290A>G (p.Thr430=)

Gene: ALDH18A1 (aldehyde dehydrogenase 18 family member A1; minus strand). Cytogenetic location: 10q24.1.
Variant type: single nucleotide variant.
Coding change: c.1290A>G on transcript NM_002860.4 (MANE Select); coding-DNA position 1290, A replaced by G.
Protein change: p.Thr430=; no amino-acid change (threonine 430 retained).
Molecular consequence: synonymous variant.
Genome position (GRCh38, 1-based): chr10:95,621,208, T>C on the plus strand (A>G on the coding strand, the complement: ALDH18A1 is on the minus strand). VCF-style: chr10-95621208-T-C. GRCh37 (hg19) VCF-style: chr10-97380965-T-C.
Other names: c.1284A>G, p.Thr428= (NM_001017423.2, NM_001323415.2); c.957A>G, p.Thr319= (NM_001323412.2, NM_001323416.2); c.1290A>G, p.Thr430= (NM_001323413.2, NM_001323414.2); c.1185A>G, p.Thr395= (NM_001323417.2); c.951A>G, p.Thr317= (NM_001323418.2); c.654A>G, p.Thr218= (NM_001323419.2).
Identifiers: ClinVar variation 3354743 (VCV003354743.1).